The following is an entry in ClinVar:

ClinVar aggregate classification (germline): Uncertain significance. Review status: criteria provided, multiple submitters, no conflicts (2 of 4 stars). 2 submissions from 2 submitters: Uncertain significance (2). Last evaluated 2023-12-13.

Conditions:
Hereditary nonpolyposis colorectal neoplasms. Identifiers: MedGen C0009405, MeSH D003123.
Hereditary cancer-predisposing syndrome. Also called: Tumor predisposition; Hereditary neoplastic syndrome; Neoplastic Syndromes, Hereditary; Hereditary Cancer Syndrome. Identifiers: Orphanet 140162, MedGen C0027672, MeSH D009386, MONDO:0015356.

Submissions (2):

Ambry Genetics
Classification: Uncertain significance for Hereditary cancer-predisposing syndrome. Last evaluated: 2023-12-13. Review status: criteria provided, single submitter. Criteria: Ambry Variant Classification Scheme 2023. Collection method: clinical testing. Allele origin: germline.

Labcorp Genetics (formerly Invitae), Labcorp
Classification: Uncertain significance for Hereditary nonpolyposis colorectal neoplasms. Last evaluated: 2019-09-23. Review status: criteria provided, single submitter. Criteria: Invitae Variant Classification Sherloc (09022015). Collection method: clinical testing. Allele origin: germline.
Comment: In summary, the available evidence is currently insufficient to determine the role of this variant in disease. Therefore, it has been classified as a Variant of Uncertain Significance. Algorithms developed to predict the effect of missense changes on protein structure and function are either unavailable or do not agree on the potential impact of this missense change (SIFT: "Tolerated"; PolyPhen-2: "Probably Damaging"; Align-GVGD: "Class C0"). This variant has not been reported in the literature in individuals with MSH6-related conditions. This variant is not present in population databases (ExAC no frequency). This sequence change replaces lysine with glutamine at codon 149 of the MSH6 protein (p.Lys149Gln). The lysine residue is moderately conserved and there is a small physicochemical difference between lysine and glutamine.

NM_000179.3(MSH6):c.445A>C (p.Lys149Gln)

Gene: MSH6 (mutS homolog 6; plus strand). Cytogenetic location: 2p16.3.
Variant type: single nucleotide variant.
Coding change: c.445A>C on transcript NM_000179.3 (MANE Select); coding-DNA position 445, A replaced by C.
Protein change: p.Lys149Gln; replaces lysine 149 with glutamine.
Molecular consequence: missense variant. On other transcripts: 5 prime UTR variant (2), intron variant (1).
Genome position (GRCh38, 1-based): chr2:47,791,111, A>C. VCF-style: chr2-47791111-A-C. GRCh37 (hg19) VCF-style: chr2-48018250-A-C.
Other names: c.-292A>C (NM_001281493.2); c.-458A>C (NM_001281494.2); c.238-7500A>C (NM_001281492.2); short protein forms K149Q.
Identifiers: ClinVar variation 960783 (VCV000960783.11), dbSNP rs1668702984, ClinGen allele CA346737187.